The following is an entry in ClinVar:

NM_000322.5(PRPH2):c.863C>T (p.Thr288Met)

Gene: PRPH2 (peripherin 2; minus strand). Cytogenetic location: 6p21.1.
Variant type: single nucleotide variant.
Coding change: c.863C>T on transcript NM_000322.5 (MANE Select); coding-DNA position 863, C replaced by T.
Protein change: p.Thr288Met; replaces threonine 288 with methionine.
Molecular consequence: missense variant.
Genome position (GRCh38, 1-based): chr6:42,698,473, G>A on the plus strand (C>T on the coding strand, the complement: PRPH2 is on the minus strand). VCF-style: chr6-42698473-G-A. GRCh37 (hg19) VCF-style: chr6-42666211-G-A.
Other names: short protein forms T288M.
Identifiers: ClinVar variation 866246 (VCV000866246.10), dbSNP rs1016933713, ClinGen allele CA138166857.
Genomic context (GRCh38, chr6:42,698,473, plus strand): 5'-AGCAGCCAGCCCTGGCTCTCGCTCTCAGATTCCTCGGGGTTGGACACACCATCCAGCGAC[G>A]TCTGTAGGTAGCGCAGCCCAATTGTAATGGTCACCTGGTGGTGGGAGAGGAGATTTAGAG-3'
Protein context (NP_000313.2, residues 278-298): TITIGLRYLQ[Thr288Met]SLDGVSNPEE

ClinVar aggregate classification (germline): Uncertain significance. Review status: criteria provided, multiple submitters, no conflicts (2 of 4 stars). 2 submissions from 2 submitters: Uncertain significance (2). Last evaluated 2020-11-05.

Conditions:
PRPH2-related disorder. Also called: PRPH2-related disorders; PRPH2-related condition. Identifiers: MedGen CN239395.

Allele frequency attached by ClinVar (database versions not stated): gnomAD exomes below 0.00001 and 0.00001.
gnomAD v4.1: 9 of 1,614,216 alleles (0.00056%); highest among the groups gnomAD compares: South Asian, 0.0022%; no homozygotes.

Submissions (2):

Labcorp Genetics (formerly Invitae), Labcorp
Classification: Uncertain significance for PRPH2-related disorder. Last evaluated: 2020-11-05. Review status: criteria provided, single submitter. Criteria: Invitae Variant Classification Sherloc (09022015). Collection method: clinical testing. Allele origin: germline.
Comment: In summary, the available evidence is currently insufficient to determine the role of this variant in disease. Therefore, it has been classified as a Variant of Uncertain Significance. This sequence change replaces threonine with methionine at codon 288 of the PRPH2 protein (p.Thr288Met). The threonine residue is highly conserved and there is a moderate physicochemical difference between threonine and methionine. This variant is not present in population databases (ExAC no frequency). This variant has been observed in individual(s) with vitelliform dystrophy (Invitae). ClinVar contains an entry for this variant (Variation ID: 866246). Advanced modeling of protein sequence and biophysical properties (such as structural, functional, and spatial information, amino acid conservation, physicochemical variation, residue mobility, and thermodynamic stability) performed at Invitae indicates that this missense variant is expected to disrupt PRPH2 protein function.

Blueprint Genetics
Classification: Uncertain significance. Last evaluated: 2018-12-28. Review status: criteria provided, single submitter. Criteria: ACMG Guidelines, 2015. Collection method: clinical testing. Allele origin: germline.